The following is an entry in ClinVar:

ClinVar aggregate classification (germline): Pathogenic (1 of 4 stars; one submission).

Conditions:
BAP1-related tumor predisposition syndrome (TPDS1). Also called: Tumor susceptibility linked to germline BAP1 mutations; BAP1 tumor predisposition syndrome; TUMOR PREDISPOSITION SYNDROME 1; COMMON Syndrome. Identifiers: Orphanet 289539, MedGen C3280492, MONDO:0013692, OMIM 614327.

Submission:

Labcorp Genetics (formerly Invitae), Labcorp
Classification: Pathogenic for BAP1-related tumor predisposition syndrome. Last evaluated: 2021-10-11. Review status: criteria provided, single submitter. Criteria: Invitae Variant Classification Sherloc (09022015). Collection method: clinical testing. Allele origin: germline.
Comment: For these reasons, this variant has been classified as Pathogenic. This variant has not been reported in the literature in individuals affected with BAP1-related conditions. This variant is not present in population databases (ExAC no frequency). This sequence change creates a premature translational stop signal (p.Pro598Glnfs*19) in the BAP1 gene. It is expected to result in an absent or disrupted protein product. Loss-of-function variants in BAP1 are known to be pathogenic (PMID: 21874000, 23684012).

Literature cited by the submitters: PubMed 21874000; PubMed 23684012.

NM_004656.4(BAP1):c.1793del (p.Pro598fs)

Gene: BAP1 (BRCA1 associated deubiquitinase 1; minus strand). Cytogenetic location: 3p21.1.
Variant type: Deletion.
Coding change: c.1793del on transcript NM_004656.4 (MANE Select); coding-DNA position 1793, one base deleted (C; older notation c.1793delC).
Protein change: p.Pro598fs; shifts the reading frame from proline 598.
Molecular consequence: frameshift variant.
Genome position (GRCh38, 1-based): chr3:52,403,235, G deleted on the plus strand (C on the coding strand, the reverse complement: BAP1 is on the minus strand); the first of 3 consecutive G bases (chr3:52,403,235-52,403,237); deleting any one gives the same sequence. VCF-style (leftmost placement, unchanged base first): chr3-52403234-TG-T. GRCh37 (hg19) VCF-style: chr3-52437250-TG-T.
Other names: short protein forms P598fs.
Identifiers: ClinVar variation 1425452 (VCV001425452.6), dbSNP rs2153226486, ClinGen allele CA433885956.